The following is an entry in ClinVar:

ClinVar aggregate classification (germline): Pathogenic (1 of 4 stars; one submission).

Conditions:
Early-infantile DEE. Also called: Early infantile epileptic encephalopathy with suppression bursts; Early infantile epileptic encephalopathy; Ohtahara syndrome. Identifiers: Orphanet 1934, MedGen C0393706, MONDO:0800491.

Submission:

Labcorp Genetics (formerly Invitae), Labcorp
Classification: Pathogenic for Early-infantile DEE. Last evaluated: 2021-08-20. Review status: criteria provided, single submitter. Criteria: Invitae Variant Classification Sherloc (09022015). Collection method: clinical testing. Allele origin: germline.
Comment: This sequence change creates a premature translational stop signal (p.Glu1795*) in the SCN1A gene. While this is not anticipated to result in nonsense mediated decay, it is expected to disrupt the last 215 amino acid(s) of the SCN1A protein. This variant is not present in population databases (ExAC no frequency). This variant has not been reported in the literature in individuals affected with SCN1A-related conditions. This variant disrupts a region of the SCN1A protein in which other variant(s) (p.Arg1912*) have been determined to be pathogenic (PMID: 14738421, 20522430, 23195492). This suggests that this is a clinically significant region of the protein, and that variants that disrupt it are likely to be disease-causing. For these reasons, this variant has been classified as Pathogenic.

Literature cited by the submitters: PubMed 14738421; PubMed 20522430; PubMed 23195492.

NM_001165963.4(SCN1A):c.5383G>T (p.Glu1795Ter)

Genes: SCN1A (sodium voltage-gated channel alpha subunit 1; minus strand), LOC102724058 (uncharacterized LOC102724058; plus strand). Cytogenetic location: 2q24.3.
Variant type: single nucleotide variant.
Coding change: c.5383G>T on transcript NM_001165963.4 (MANE Select); coding-DNA position 5383, G replaced by T.
Protein change: p.Glu1795Ter; replaces glutamic acid 1795 with a stop codon.
Molecular consequence: nonsense. On other transcripts: non-coding transcript variant (1).
Genome position (GRCh38, 1-based): chr2:165,991,892, C>A on the plus strand (G>T on the coding strand, the complement: SCN1A is on the minus strand). VCF-style: chr2-165991892-C-A. GRCh37 (hg19) VCF-style: chr2-166848402-C-A.
Other names: c.5299G>T, p.Glu1767Ter (NM_001165964.3, NM_001353957.2, NM_001353958.2); c.5383G>T, p.Glu1795Ter (NM_001202435.3, NM_001353948.2); c.5350G>T, p.Glu1784Ter (NM_001353949.2, NM_001353950.2, NM_001353951.2 and 2 more transcripts); c.5347G>T, p.Glu1783Ter (NM_001353954.2, NM_001353955.2); c.5296G>T, p.Glu1766Ter (NM_001353960.2); c.2941G>T, p.Glu981Ter (NM_001353961.2); short protein forms E1767*, E981*, E1766*, E1784*, E1783*, E1795*.
Identifiers: ClinVar variation 1459682 (VCV001459682.7), dbSNP rs121918813, ClinGen allele CA349067872.